The following is an entry in ClinVar:

ClinVar aggregate classification (germline): Pathogenic (1 of 4 stars; one submission).

Submission:

Labcorp Genetics (formerly Invitae), Labcorp
Classification: Pathogenic. Last evaluated: 2025-03-17. Review status: criteria provided, single submitter. Criteria: Invitae Variant Classification Sherloc (09022015). Collection method: clinical testing. Allele origin: germline.
Comment: This sequence change creates a premature translational stop signal (p.Val309Serfs*28) in the CEP78 gene. It is expected to result in an absent or disrupted protein product. Loss-of-function variants in CEP78 are known to be pathogenic (PMID: 27588451, 27588452, 27627988). This variant is present in population databases (no rsID available, gnomAD 0.006%). This variant has not been reported in the literature in individuals affected with CEP78-related conditions. For these reasons, this variant has been classified as Pathogenic.

Literature cited by the submitters: PubMed 27588451; PubMed 27588452; PubMed 27627988.

NM_001330691.3(CEP78):c.924dup (p.Val309fs)

Gene: CEP78 (centrosomal protein 78; plus strand). Cytogenetic location: 9q21.2.
Variant type: Duplication.
Coding change: c.924dup on transcript NM_001330691.3 (MANE Select); coding-DNA position 924, one base duplicated (A; older notation c.924dupA).
Protein change: p.Val309fs; shifts the reading frame from valine 309.
Molecular consequence: frameshift variant.
Genome position (GRCh38, 1-based): chr9:78,248,322, A duplicated; the last of 6 consecutive A bases (chr9:78,248,317-78,248,322); duplicating any one gives the same sequence. VCF-style (leftmost placement, unchanged base first): chr9-78248316-C-CA. GRCh37 (hg19) VCF-style: chr9-80863232-C-CA.
Other names: c.924dup, p.Val309fs (NM_001098802.3, NM_001330693.3, NM_001330694.2 and 4 more transcripts); short protein forms V309fs.
Identifiers: ClinVar variation 3623183 (VCV003623183.2).
Genomic context (GRCh38, chr9:78,248,316, plus strand): 5'-TAATTACTATAATTTCAATTTTTATTTTACTTTAGATCATTCTATGATGAAAGCAGTTAT[C>CA]AAAAAAGTCCTCCAGAATGGAAGGAGTGCCAAATCAGAGGTATATCATGTTTTATTTCTC-3'